The following is an entry in ClinVar:

NM_020686.6(ABAT):c.749G>T (p.Arg250Leu)

Gene: ABAT (4-aminobutyrate aminotransferase; plus strand). Cytogenetic location: 16p13.2.
Variant type: single nucleotide variant.
Coding change: c.749G>T on transcript NM_020686.6 (MANE Select); coding-DNA position 749, G replaced by T.
Protein change: p.Arg250Leu; replaces arginine 250 with leucine.
Molecular consequence: missense variant.
Genome position (GRCh38, 1-based): chr16:8,768,906, G>T. VCF-style: chr16-8768906-G-T. GRCh37 (hg19) VCF-style: chr16-8862763-G-T.
Other names: c.749G>T, p.Arg250Leu (NM_000663.5, NM_001127448.2, NM_001386600.1 and 7 more transcripts); c.686G>T, p.Arg229Leu (NM_001386606.1, NM_001386607.1); c.656G>T, p.Arg219Leu (NM_001386608.1); c.614G>T, p.Arg205Leu (NM_001386610.1, NM_001386611.1); c.551G>T, p.Arg184Leu (NM_001386612.1, NM_001386613.1); c.503G>T, p.Arg168Leu (NM_001386614.1); c.845G>T, p.Arg282Leu (NM_001386615.1); short protein forms R168L, R205L, R184L, R219L, R229L, R250L, R282L.
Identifiers: ClinVar variation 1419839 (VCV001419839.6), dbSNP rs375002262, ClinGen allele CA7893282.
Genomic context (GRCh38, chr16:8,768,906, plus strand): 5'-CTAAAGCCATTCACAAGATCGACATCCCTTCCTTTGACTGGCCCATCGCACCGTTCCCAC[G>T]GCTGAAATACCCTCTGGAAGAGTTTGTGAAAGAGAACCAACAGGAGGAGGCCCGCTGTCT-3'
Protein context (NP_065737.2, residues 240-260): SFDWPIAPFP[Arg250Leu]LKYPLEEFVK

ClinVar aggregate classification (germline): Uncertain significance (1 of 4 stars; one submission).

Conditions:
Gamma-aminobutyric acid transaminase deficiency (GABATD). Also called: GABA transaminase deficiency; Gamma aminobutyrate transaminase deficiency; 4 alpha aminobutyrate transaminase deficiency; GABA aminotransaminase deficiency. Identifiers: Orphanet 2066, MedGen C0342708, MONDO:0013166, OMIM 613163.

Allele frequency attached by ClinVar (database versions not stated): ESP Exome Variant Server 0.00008.
gnomAD v4.1: 7 of 1,613,996 alleles (0.00043%); highest among the groups gnomAD compares: Middle Eastern, 0.066%; no homozygotes.

Submission:

Labcorp Genetics (formerly Invitae), Labcorp
Classification: Uncertain significance for Gamma-aminobutyric acid transaminase deficiency. Last evaluated: 2023-06-23. Review status: criteria provided, single submitter. Criteria: Invitae Variant Classification Sherloc (09022015). Collection method: clinical testing. Allele origin: germline.
Comment: In summary, the available evidence is currently insufficient to determine the role of this variant in disease. Therefore, it has been classified as a Variant of Uncertain Significance. This sequence change replaces arginine, which is basic and polar, with leucine, which is neutral and non-polar, at codon 250 of the ABAT protein (p.Arg250Leu). This variant is present in population databases (rs375002262, gnomAD 0.002%). This variant has not been reported in the literature in individuals affected with ABAT-related conditions. ClinVar contains an entry for this variant (Variation ID: 1419839). Advanced modeling of protein sequence and biophysical properties (such as structural, functional, and spatial information, amino acid conservation, physicochemical variation, residue mobility, and thermodynamic stability) performed at Invitae indicates that this missense variant is not expected to disrupt ABAT protein function.